The following is an entry in ClinVar:

ClinVar aggregate classification (germline): Conflicting classifications of pathogenicity. Review status: criteria provided, conflicting classifications (1 of 4 stars). 8 submissions from 8 submitters: Uncertain significance (6); Likely benign (2). Last evaluated 2026-01-13.

Conditions:
Hereditary cancer-predisposing syndrome. Also called: Tumor predisposition; Neoplastic Syndromes, Hereditary; Hereditary neoplastic syndrome; Hereditary Cancer Syndrome. Identifiers: Orphanet 140162, MedGen C0027672, MeSH D009386, MONDO:0015356.
Hereditary breast ovarian cancer syndrome. Also called: Hereditary breast and ovarian cancer syndrome; Hereditary breast and ovarian cancer syndrome (HBOC); Hereditary breast and ovarian cancer; Breast and ovarian cancer; BRCA1- and BRCA2-Associated Hereditary Breast and Ovarian Cancer; Hereditary breast and/or ovarian cancer syndrome. Identifiers: Orphanet 145, MedGen C0677776, MeSH D061325, MONDO:0003582. Disease mechanism: loss of function.
Breast-ovarian cancer, familial, susceptibility to, 2 (BROVCA2). Also called: BRCA2 Hereditary Breast and Ovarian Cancer. Identifiers: Orphanet 145, MedGen C2675520, MONDO:0012933, OMIM 612555. Disease mechanism: loss of function.
Familial cancer of breast. Also called: BREAST CANCER, FAMILIAL; hereditary breast carcinoma; Hereditary breast cancer. Identifiers: Orphanet 227535, MedGen C0346153, MONDO:0016419, OMIM 114480. Disease mechanism: loss of function.

Allele frequency attached by ClinVar (database versions not stated): gnomAD exomes below 0.00001.
gnomAD v4.1: 2 of 1,614,094 alleles (0.00012%); highest among the groups gnomAD compares: Non-Finnish European, 0.00017%; no homozygotes.

Submissions (8):

German Consortium for Hereditary Breast and Ovarian Cancer, University Hospital Cologne
Classification: Likely benign for Hereditary breast ovarian cancer syndrome. Last evaluated: 2026-01-13. Review status: criteria provided, single submitter. Criteria: ClinGen BRCA2 V1.1.0. Collection method: curation. Allele origin: germline.
Comment: This classification follows the ClinGen ENIGMA BRCA2 v1.1.0 classification scheme; We chose these criteria: BP4 (supporting benign): Missense variant inside functional domain, no predicted impact via protein change or splicing (BayesDel no-AF score <= 0.18 AND SpliceAI <=0.1)., BS3 (strong benign): Functional studies concordant: Huang (2025, PMID: 39779857); Sahu (2025, PMID: 39779848); Hu (2024, PMID: 38417439): likely benign

Labcorp Genetics (formerly Invitae), Labcorp
Classification: Uncertain significance for Hereditary breast ovarian cancer syndrome. Last evaluated: 2025-10-19. Review status: criteria provided, single submitter. Criteria: Invitae Variant Classification Sherloc (09022015). Collection method: clinical testing. Allele origin: germline.
Comment: This sequence change replaces proline, which is neutral and non-polar, with arginine, which is basic and polar, at codon 2735 of the BRCA2 protein (p.Pro2735Arg). This variant is present in population databases (rs730881564, gnomAD 0.0009%). This missense change has been observed in individual(s) with colon cancer (PMID: 27978560). ClinVar contains an entry for this variant (Variation ID: 182251). Invitae Evidence Modeling of protein sequence and biophysical properties (such as structural, functional, and spatial information, amino acid conservation, physicochemical variation, residue mobility, and thermodynamic stability) indicates that this missense variant is not expected to disrupt BRCA2 protein function with a negative predictive value of 95%. Experimental studies have shown that this missense change does not substantially affect BRCA2 function (PMID: 35736817). In summary, the available evidence is currently insufficient to determine the role of this variant in disease. Therefore, it has been classified as a Variant of Uncertain Significance.

Baylor Genetics
Classification: Uncertain significance for Familial cancer of breast. Last evaluated: 2023-08-31. Review status: criteria provided, single submitter. Criteria: ACMG Guidelines, 2015. Collection method: clinical testing. Allele origin: unknown.

All of Us Research Program, National Institutes of Health
Classification: Uncertain significance for Breast-ovarian cancer, familial, susceptibility to, 2. Last evaluated: 2023-08-15. Review status: criteria provided, single submitter. Criteria: ACMG Guidelines, 2015. Collection method: clinical testing. Allele origin: germline. Inheritance: Autosomal dominant inheritance. Observed: 2 variant alleles, 2 heterozygotes.
Comment: This study involves interpretation of variants in research participants for the purpose of population health screening. Participant phenotype was not available at the time of variant classification. Additional details can be found in publication PMID: 35346344, PMCID: PMC8962531

Blueprint Genetics
Classification: Uncertain significance. Last evaluated: 2023-03-14. Review status: criteria provided, single submitter. Criteria: ACMG Guidelines, 2015. Collection method: clinical testing. Allele origin: germline.

Ambry Genetics
Classification: Likely benign for Hereditary cancer-predisposing syndrome. Last evaluated: 2022-01-09. Review status: criteria provided, single submitter. Criteria: Ambry Variant Classification Scheme 2023. Collection method: clinical testing. Allele origin: germline.

Institute of Human Genetics, University of Leipzig Medical Center
Classification: Uncertain significance for Familial cancer of breast. Last evaluated: 2019-01-01. Review status: criteria provided, single submitter. Criteria: ACMG Guidelines, 2015. Collection method: clinical testing. Allele origin: unknown. Affected: yes.

GeneDx
Classification: Uncertain significance. Last evaluated: 2018-10-02. Review status: criteria provided, single submitter. Criteria: GeneDx Variant Classification (06012015). Collection method: clinical testing. Allele origin: germline. Affected: yes.
Comment: This variant is denoted BRCA2 c.8204C>G at the cDNA level, p.Pro2735Arg (P2735R) at the protein level, and results in the change of a Proline to an Arginine (CCC>CGC). Using alternate nomenclature, this variant would be defined as BRCA2 8432C>G. This variant has been reported in at least one individual with a personal history of colorectal cancer, whose tumor studies demonstrated mismatch repair proficiency via normal immunohistochemistry (IHC) and/or microsatellite stability (Pearlman 2017). BRCA2 Pro2735Arg was not observed at a significant allele frequency in large population cohorts (Lek 2016). This variant is located within the DSS1 contacting residues of the DNA binding domain (Yang 2002). In silico analysis, which includes protein predictors and evolutionary conservation, supports a deleterious effect. Based on currently available evidence, it is unclear whether BRCA2 Pro2735Arg is a pathogenic or benign variant. We consider it to be a variant of uncertain significance.

Literature cited by the submitters: PubMed 27978560 (cited by Labcorp Genetics (formerly Invitae), Labcorp); PubMed 35736817 (cited by Labcorp Genetics (formerly Invitae), Labcorp).

NM_000059.4(BRCA2):c.8204C>G (p.Pro2735Arg)

Gene: BRCA2 (BRCA2 DNA repair associated; plus strand). Cytogenetic location: 13q13.1.
Variant type: single nucleotide variant.
Coding change: c.8204C>G on transcript NM_000059.4 (MANE Select); coding-DNA position 8204, C replaced by G.
Protein change: p.Pro2735Arg; replaces proline 2735 with arginine.
Molecular consequence: missense variant.
Genome position (GRCh38, 1-based): chr13:32,363,406, C>G. VCF-style: chr13-32363406-C-G. GRCh37 (hg19) VCF-style: chr13-32937543-C-G.
Other names: p.P2735R:CCC>CGC; short protein forms P2735R.
Identifiers: ClinVar variation 182251 (VCV000182251.20), dbSNP rs730881564, ClinGen allele CA025509.